The following is an entry in ClinVar:

NM_002880.4(RAF1):c.95T>C (p.Ile32Thr)

Gene: RAF1 (Raf-1 proto-oncogene, serine/threonine kinase; minus strand). Cytogenetic location: 3p25.2.
Variant type: single nucleotide variant.
Coding change: c.95T>C on transcript NM_002880.4 (MANE Select); coding-DNA position 95, T replaced by C.
Protein change: p.Ile32Thr; replaces isoleucine 32 with threonine.
Molecular consequence: missense variant. On other transcripts: 5 prime UTR variant (4), non-coding transcript variant (3).
Genome position (GRCh38, 1-based): chr3:12,618,627, A>G on the plus strand (T>C on the coding strand, the complement: RAF1 is on the minus strand). VCF-style: chr3-12618627-A-G. GRCh37 (hg19) VCF-style: chr3-12660126-A-G.
Other names: c.95T>C, p.Ile32Thr (NM_001354689.3, NM_001354690.3, NM_001354693.3); c.-36T>C (NM_001354691.3, NM_001354692.3, NM_001354694.3 and 1 more transcripts); short protein forms I32T.
Identifiers: ClinVar variation 4801599 (VCV004801599.1).
Genomic context (GRCh38, chr3:12,618,627, plus strand): 5'-GAAGGATCTGTGAGTTTGCCATCATCTGATGCCCGGCGCTGATAGCCAAACTGCTGAACT[A>G]TTGTAGGAGAGATGCAGCTGGAGCCATCAAACACGGCATCTTTGAATCCAAAACCATTGC-3'
Protein context (NP_002871.1, residues 22-42): FDGSSCISPT[Ile32Thr]VQQFGYQRRA

ClinVar aggregate classification (germline): Uncertain significance (1 of 4 stars; one submission).

Conditions:
RASopathy. Also called: rasopathies; Noonan spectrum disorder. Identifiers: Orphanet 536391, MedGen C5555857, MONDO:0021060.

Submission:

Labcorp Genetics (formerly Invitae), Labcorp
Classification: Uncertain significance for RASopathy. Last evaluated: 2025-06-18. Review status: criteria provided, single submitter. Criteria: Invitae Variant Classification Sherloc (09022015). Collection method: clinical testing. Allele origin: germline.
Comment: This sequence change replaces isoleucine, which is neutral and non-polar, with threonine, which is neutral and polar, at codon 32 of the RAF1 protein (p.Ile32Thr). This variant is not present in population databases (gnomAD no frequency). This variant has not been reported in the literature in individuals affected with RAF1-related conditions. Invitae Evidence Modeling of protein sequence and biophysical properties (such as structural, functional, and spatial information, amino acid conservation, physicochemical variation, residue mobility, and thermodynamic stability) indicates that this missense variant is not expected to disrupt RAF1 protein function with a negative predictive value of 95%. In summary, the available evidence is currently insufficient to determine the role of this variant in disease. Therefore, it has been classified as a Variant of Uncertain Significance.